The following is an entry in ClinVar:

Conditions:
Breast-ovarian cancer, familial, susceptibility to, 1 (BROVCA1). Also called: BRCA1 Hereditary Breast and Ovarian Cancer; OVARIAN CANCER, SUSCEPTIBILITY TO. Identifiers: Orphanet 145, MedGen C2676676, MONDO:0011450, OMIM 604370. Disease mechanism: loss of function.

Submission:

Brotman Baty Institute, University of Washington
No classification provided (evidence only). Condition: Breast-ovarian cancer, familial 1. Review status: no classification provided. Collection method: in vitro. Allele origin: not applicable. Functional consequence: functionally_normal.
ClinVar note: "not provided" was previously submitted as the classification for the variant. However, the classification appeared to be based only on an observation of functional data so it was converted to no classification on 2025-07-30.

NM_007294.4(BRCA1):c.4914A>C (p.Glu1638Asp)

Gene: BRCA1 (BRCA1 DNA repair associated; minus strand). Cytogenetic location: 17q21.31.
Variant type: single nucleotide variant.
Coding change: c.4914A>C on transcript NM_007294.4 (MANE Select); coding-DNA position 4914, A replaced by C.
Protein change: p.Glu1638Asp; replaces glutamic acid 1638 with aspartic acid.
Molecular consequence: missense variant. On other transcripts: non-coding transcript variant (1).
Genome position (GRCh38, 1-based): chr17:43,071,000, T>G on the plus strand (A>C on the coding strand, the complement: BRCA1 is on the minus strand). VCF-style: chr17-43071000-T-G. GRCh37 (hg19) VCF-style: chr17-41223017-T-G.
Other names: c.4701A>C, p.Glu1567Asp (NM_001407897.1, NM_001407898.1, NM_001407899.1 and 12 more transcripts); c.4791A>C, p.Glu1597Asp (NM_001407919.1, NM_001407938.1, NM_001407664.1 and 6 more transcripts); c.4650A>C, p.Glu1550Asp (NM_001407920.1, NM_001407921.1, NM_001407922.1 and 4 more transcripts); c.4647A>C, p.Glu1549Asp (NM_001407927.1, NM_001407928.1, NM_001407929.1 and 4 more transcripts); c.4788A>C, p.Glu1596Asp (NM_001407939.1, NM_001407940.1, NM_001407670.1 and 11 more transcripts); c.4785A>C, p.Glu1595Asp (NM_001407941.1, NM_001407682.1, NM_001407683.1 and 6 more transcripts); c.4773A>C, p.Glu1591Asp (NM_001407942.1, NM_007297.4, NM_001407727.1 and 13 more transcripts); c.4770A>C, p.Glu1590Asp (NM_001407943.1, NM_001407944.1, NM_001407945.1 and 21 more transcripts); and 70 more; short protein forms E1591D, E1638D, E534D, E1659D, E1511D, E1527D, E1566D, E1567D.
Identifiers: ClinVar variation 868844 (VCV000868844.3), dbSNP rs786201216, ClinGen allele CA10591695.